The following is an entry in ClinVar:

NM_024675.4(PALB2):c.496A>G (p.Thr166Ala)

Gene: PALB2 (partner and localizer of BRCA2; minus strand). Cytogenetic location: 16p12.2.
Variant type: single nucleotide variant.
Coding change: c.496A>G on transcript NM_024675.4 (MANE Select); coding-DNA position 496, A replaced by G.
Protein change: p.Thr166Ala; replaces threonine 166 with alanine.
Molecular consequence: missense variant. On other transcripts: intron variant (3), 5 prime UTR variant (8).
Genome position (GRCh38, 1-based): chr16:23,636,050, T>C on the plus strand (A>G on the coding strand, the complement: PALB2 is on the minus strand). VCF-style: chr16-23636050-T-C. GRCh37 (hg19) VCF-style: chr16-23647371-T-C.
Other names: c.48+5060A>G (NM_001407314.1); c.-105+5060A>G (NM_001407313.1, NM_001407312.1); c.496A>G, p.Thr166Ala (NM_001407298.1, NM_001407299.1, NM_001407300.1 and 3 more transcripts); c.-390A>G (NM_001407304.1, NM_001407305.1, NM_001407306.1 and 5 more transcripts); c.436A>G, p.Thr146Ala (NM_001407296.1); short protein forms T146A, T166A.
Identifiers: ClinVar variation 4756095 (VCV004756095.1).

ClinVar aggregate classification (germline): Uncertain significance (1 of 4 stars; one submission).

Submission:

GeneDx
Classification: Uncertain significance. Last evaluated: 2025-08-05. Review status: criteria provided, single submitter. Criteria: GeneDx Variant Classification Process June 2021. Collection method: clinical testing. Allele origin: germline. Affected: yes.
Comment: Not observed at significant frequency in large population cohorts (gnomAD); In silico analysis suggests that this missense variant does not alter protein structure/function; Has not been previously published as pathogenic or benign to our knowledge; This variant is associated with the following publications: (PMID: 20871615, 19369211)